The following is an entry in ClinVar:

ClinVar aggregate classification (germline): Uncertain significance (1 of 4 stars; one submission).

Conditions:
Spastic paraplegia. Identifiers: MedGen C0037772, HP:0001258.

Allele frequency attached by ClinVar (database versions not stated): TOPMed 0.00004; ESP Exome Variant Server 0.00015.

Submission:

Labcorp Genetics (formerly Invitae), Labcorp
Classification: Uncertain significance for Spastic paraplegia. Last evaluated: 2025-09-26. Review status: criteria provided, single submitter. Criteria: Invitae Variant Classification Sherloc (09022015). Collection method: clinical testing. Allele origin: germline.
Comment: This sequence change replaces arginine, which is basic and polar, with histidine, which is basic and polar, at codon 161 of the ARSI protein (p.Arg161His). This variant is present in population databases (rs142729073, gnomAD 0.008%). This variant has not been reported in the literature in individuals affected with ARSI-related conditions. ClinVar contains an entry for this variant (Variation ID: 1026125). Invitae Evidence Modeling of protein sequence and biophysical properties (such as structural, functional, and spatial information, amino acid conservation, physicochemical variation, residue mobility, and thermodynamic stability) indicates that this missense variant is not expected to disrupt ARSI protein function with a negative predictive value of 80%. In summary, the available evidence is currently insufficient to determine the role of this variant in disease. Therefore, it has been classified as a Variant of Uncertain Significance.

NM_001012301.4(ARSI):c.482G>A (p.Arg161His)

Gene: ARSI (arylsulfatase family member I; minus strand). Cytogenetic location: 5q32.
Variant type: single nucleotide variant.
Coding change: c.482G>A on transcript NM_001012301.4 (MANE Select); coding-DNA position 482, G replaced by A.
Protein change: p.Arg161His; replaces arginine 161 with histidine.
Molecular consequence: missense variant.
Genome position (GRCh38, 1-based): chr5:150,298,442, C>T on the plus strand (G>A on the coding strand, the complement: ARSI is on the minus strand). VCF-style: chr5-150298442-C-T. GRCh37 (hg19) VCF-style: chr5-149678005-C-T.
Other names: short protein forms R161H.
Identifiers: ClinVar variation 1026125 (VCV001026125.8), dbSNP rs142729073, ClinGen allele CA3510328.
Genomic context (GRCh38, chr5:150,298,442, plus strand): 5'-TCATAGGTGTAATAGTCCACATTGCCCGTGAGCGAGCCCAGGAAGGTGTCGAAGCCCCGA[C>T]GGGTGGGCAGACACTCCTTCCGGTAGAAGCCCAGGTGCCACTTGCCCACCATATGGGTGG-3'
Protein context (NP_001012301.1, residues 151-171): GFYRKECLPT[Arg161His]RGFDTFLGSL